The following is an entry in ClinVar:

ClinVar aggregate classification (germline): Pathogenic/Likely pathogenic. Review status: criteria provided, multiple submitters, no conflicts (2 of 4 stars). 7 submissions from 7 submitters: Pathogenic (5); Likely pathogenic (1). 1 of the submissions does not count toward it. Last evaluated 2026-10-09.

Conditions:
Cholestanol storage disease (CTX). Also called: CEREBRAL CHOLESTERINOSIS; CTX: Cerebrotendinous xanthomatosis; Cerebrotendinous Xanthomatosis. Identifiers: Orphanet 909, MedGen C0238052, MONDO:0008948, OMIM 213700.
CYP27A1-related disorder. Also called: CYP27A1-related condition.

Submissions (7):

GeneDx
Classification: Pathogenic. Last evaluated: 2026-10-09. Review status: criteria provided, single submitter. Criteria: GeneDx Variant Classification Process June 2021. Collection method: clinical testing. Allele origin: germline.
Comment: Frameshift variant predicted to result in protein truncation or nonsense mediated decay in a gene for which loss of function is a known mechanism of disease; This variant is associated with the following publications: (PMID: 34689324, 30017468)

Women's Health and Genetics/Laboratory Corporation of America, LabCorp
Classification: Pathogenic for Cholestanol storage disease. Last evaluated: 2025-10-06. Review status: criteria provided, single submitter. Criteria: LabCorp Variant Classification Summary - May 2015. Collection method: clinical testing. Allele origin: germline.
Comment: Variant summary: CYP27A1 c.666_678del13 (p.Phe222LeufsX13) results in a premature termination codon, predicted to cause a truncation of the encoded protein or absence of the protein due to nonsense mediated decay, which are commonly known mechanisms for disease. The variant allele was found at a frequency of 8e-06 in 251402 control chromosomes. c.666_678del13 has been observed in individual(s) affected with Cerebrotendinous Xanthomatosis (Badura-Stronka_2022). To our knowledge, no experimental evidence demonstrating an impact on protein function has been reported. The following publication have been ascertained in the context of this evaluation (PMID: 34689324). ClinVar contains an entry for this variant (Variation ID: 498394). Based on the evidence outlined above, the variant was classified as pathogenic.

Labcorp Genetics (formerly Invitae), Labcorp
Classification: Pathogenic for Cholestanol storage disease. Last evaluated: 2025-09-27. Review status: criteria provided, single submitter. Criteria: Invitae Variant Classification Sherloc (09022015). Collection method: clinical testing. Allele origin: germline.
Comment: This sequence change creates a premature translational stop signal (p.Phe222Leufs*13) in the CYP27A1 gene. It is expected to result in an absent or disrupted protein product. Loss-of-function variants in CYP27A1 are known to be pathogenic (PMID: 9392430, 10775536, 26937392). This variant is present in population databases (rs755532803, gnomAD 0.01%). This variant has not been reported in the literature in individuals affected with CYP27A1-related conditions. ClinVar contains an entry for this variant (Variation ID: 498394). Algorithms developed to predict the effect of sequence changes on RNA splicing suggest that this variant may disrupt the consensus splice site. For these reasons, this variant has been classified as Pathogenic.

Fulgent Genetics
Classification: Likely pathogenic for Cholestanol storage disease. Last evaluated: 2024-06-20. Review status: criteria provided, single submitter. Criteria: ACMG Guidelines, 2015. Collection method: clinical testing. Allele origin: germline.

Natera, Inc.
Classification: Pathogenic for Cerebrotendinous xanthomatosis. Last evaluated: 2024-04-12. Review status: criteria provided, single submitter. Criteria: Natera Variant Classification Schema (03/2026). Collection method: clinical testing. Allele origin: germline.
Comment: The c.666_678delCGAGAAACGCATT variant in CYP27A1 is a frameshift variant predicted to shift the reading frame beginning at codon 222 and leads to a stop codon 13 codons downstream. This variant is expected to result in nonsense mediated decay, truncation, or a dysfunctional protein product. This variant is rare in the general population with a frequency below the threshold expected for the associated phenotype(s). This variant has been observed in one or more individuals affected with the associated recessive disease, as either homozygous or compound heterozygous with a second variant (PMID: 30017468). Given the available evidence, this variant is classified as Pathogenic.

Eurofins Ntd Llc (ga)
Classification: Pathogenic. Last evaluated: 2017-11-06. Review status: criteria provided, single submitter. Criteria: EGL Classification Definitions 2015. Collection method: clinical testing. Allele origin: germline. Observed: 3 variant alleles, 2 heterozygotes, 1 homozygote.

PreventionGenetics, part of Exact Sciences
Classification: Likely pathogenic for CYP27A1-related condition. Last evaluated: 2024-05-09. Review status: no assertion criteria provided. Collection method: clinical testing. Allele origin: germline. Not counted in ClinVar's aggregate classification.
Comment: The CYP27A1 c.666_678del13 variant is predicted to result in a frameshift and premature protein termination (p.Phe222Leufs*13). To our knowledge, this variant has not been reported in the literature. This variant is reported in 0.012% of alleles in individuals of African descent in gnomAD. Frameshift variants in CYP27A1 are expected to be pathogenic. This variant is interpreted as likely pathogenic.

Literature cited by the submitters: PubMed 34689324 (cited by Women's Health and Genetics/Laboratory Corporation of America, LabCorp); PubMed 9392430 (cited by Labcorp Genetics (formerly Invitae), Labcorp); PubMed 10775536 (cited by Labcorp Genetics (formerly Invitae), Labcorp); PubMed 26937392 (cited by Labcorp Genetics (formerly Invitae), Labcorp); PubMed 30017468 (cited by Natera, Inc.).

NM_000784.4(CYP27A1):c.666_678del (p.Phe222fs)

Gene: CYP27A1 (cytochrome P450 family 27 subfamily A member 1; plus strand). Cytogenetic location: 2q35.
Variant type: Deletion.
Coding change: c.666_678del on transcript NM_000784.4 (MANE Select); coding-DNA positions 666 to 678, 13 bases deleted (CGAGAAACGCATT).
Protein change: p.Phe222fs; shifts the reading frame from phenylalanine 222.
Molecular consequence: frameshift variant.
Genome position (GRCh38, 1-based): chr2:218,812,571-218,812,583, CGAGAAACGCATT deleted; deleting any 13 consecutive bases within chr2:218,812,569-218,812,583 gives the same sequence; the c. name uses the placement nearest the transcript's 3' end. VCF-style (leftmost placement, unchanged base first): chr2-218812568-GTTCGAGAAACGCA-G. GRCh37 (hg19) VCF-style: chr2-219677291-GTTCGAGAAACGCA-G.
Other names: c.666_678del13 (NM_000784.3, NM_000784.4); c.666_678del (NM_000784.3); short protein forms F222fs.
Identifiers: ClinVar variation 498394 (VCV000498394.20), dbSNP rs755532803, ClinGen allele CA2112687.
Genomic context (GRCh38, chr2:218,812,568, plus strand): 5'-TGTCCTGGTTCTGCCTCCTGTGATGGCCTCTGTGCACTACTCAGCTATTTGCTACATCCT[GTTCGAGAAACGCA>G]TTGGCTGCCTGCAGCGATCCATCCCCGAGGACACCGTGACCTTCGTCAGATCCATCGGGT-3'